The following is an entry in ClinVar:

NM_001288739.2(DNM1):c.1197-1G>A

Gene: DNM1 (dynamin 1; plus strand). Cytogenetic location: 9q34.11.
Variant type: single nucleotide variant.
Coding change: c.1197-1G>A on transcript NM_001288739.2 (MANE Plus Clinical); the canonical splice acceptor site of the intron before coding-DNA position 1197, G replaced by A.
Molecular consequence: splice acceptor variant. On other transcripts: intron variant (3).
Genome position (GRCh38, 1-based): chr9:128,226,034, G>A. VCF-style: chr9-128226034-G-A. GRCh37 (hg19) VCF-style: chr9-130988313-G-A.
Other names: c.1335+1645G>A (NM_001005336.3, NM_001374269.1, NM_004408.4); c.1197-1G>A (NM_001288738.2, NM_001288737.2).
Identifiers: ClinVar variation 4292303 (VCV004292303.1).
Genomic context (GRCh38, chr9:128,226,034, plus strand): 5'-CACTTCTCCTCCCCACCCACGGCTGCTCCTCCTCCTGTCCCCACCTCCTCCCCGGGTGCA[G>A]GACGGGCCTCTTCACACCTGACCTCGCTTTTGAAGCCACAGTGAAAAAGCAGGTGCAGAA-3'

ClinVar aggregate classification (germline): Likely pathogenic (1 of 4 stars; one submission).

Conditions:
Developmental and epileptic encephalopathy, 31A. Also called: Epileptic encephalopathy, early infantile, 31; Developmental and epileptic encephalopathy, 31. Identifiers: Orphanet 2382, MedGen C4225357, MONDO:0014598, OMIM 616346.

Submission:

3billion
Classification: Likely pathogenic for Developmental and epileptic encephalopathy, 31A. Last evaluated: 2024-12-06. Review status: criteria provided, single submitter. Criteria: ACMG Guidelines, 2015. Collection method: clinical testing. Allele origin: germline. Affected: yes.
Comment: The variant is not observed in the gnomAD v4.1.0 dataset. Predicted Consequence/Location: Canonical splice site: predicted to alter splicing and result in a loss or disruption of normal protein function. Multiple pathogenic loss-of-function variants are reported downstream of the variant. In silico tools predict the variant to alter splicing and produce an abnormal transcript [SpliceAI: 0.64 (NM_001288737.2), (spliceogenicity >=0.2, non-spliceogenicity <0.1)]. Therefore, this variant is classified as Likely pathogenic according to the recommendation of ACMG/AMP guideline.